The following is an entry in ClinVar:

ClinVar aggregate classification (germline): Uncertain significance (1 of 4 stars; one submission).

Allele frequency attached by ClinVar (database versions not stated): TOPMed 0.00004; gnomAD exomes 0.00006; gnomAD 0.00007; ESP Exome Variant Server 0.00008; ExAC 0.00013; 1000 Genomes Project 30x 0.00078; 1000 Genomes Project 0.00100.
gnomAD v4.1: 100 of 1,614,148 alleles (0.0062%); highest among the groups gnomAD compares: South Asian, 0.075%; 2 homozygotes.

Submission:

Labcorp Genetics (formerly Invitae), Labcorp
Classification: Uncertain significance. Last evaluated: 2024-11-19. Review status: criteria provided, single submitter. Criteria: Invitae Variant Classification Sherloc (09022015). Collection method: clinical testing. Allele origin: germline.
Comment: This sequence change replaces arginine, which is basic and polar, with glutamine, which is neutral and polar, at codon 137 of the COL7A1 protein (p.Arg137Gln). This variant is present in population databases (rs372918810, gnomAD 0.07%). This missense change has been observed in individual(s) with epidermolysis bullosa (PMID: 29182795). ClinVar contains an entry for this variant (Variation ID: 2077421). Invitae Evidence Modeling of protein sequence and biophysical properties (such as structural, functional, and spatial information, amino acid conservation, physicochemical variation, residue mobility, and thermodynamic stability) has been performed for this missense variant. However, the output from this modeling did not meet the statistical confidence thresholds required to predict the impact of this variant on COL7A1 protein function. In summary, the available evidence is currently insufficient to determine the role of this variant in disease. Therefore, it has been classified as a Variant of Uncertain Significance.

Literature cited by the submitters: PubMed 29182795.

NM_000094.4(COL7A1):c.410G>A (p.Arg137Gln)

Gene: COL7A1 (collagen type VII alpha 1 chain; minus strand). Cytogenetic location: 3p21.31.
Variant type: single nucleotide variant.
Coding change: c.410G>A on transcript NM_000094.4 (MANE Select); coding-DNA position 410, G replaced by A.
Protein change: p.Arg137Gln; replaces arginine 137 with glutamine.
Molecular consequence: missense variant.
Genome position (GRCh38, 1-based): chr3:48,593,553, C>T on the plus strand (G>A on the coding strand, the complement: COL7A1 is on the minus strand). VCF-style: chr3-48593553-C-T. GRCh37 (hg19) VCF-style: chr3-48630986-C-T.
Other names: short protein forms R137Q.
Identifiers: ClinVar variation 2077421 (VCV002077421.2), dbSNP rs372918810, ClinGen allele CA2381559.